The following is an entry in ClinVar:

ClinVar aggregate classification (germline): Pathogenic (1 of 4 stars; one submission).

Submission:

Labcorp Genetics (formerly Invitae), Labcorp
Classification: Pathogenic. Last evaluated: 2020-05-20. Review status: criteria provided, single submitter. Criteria: Invitae Variant Classification Sherloc (09022015). Collection method: clinical testing. Allele origin: germline.
Comment: For these reasons, this variant has been classified as Pathogenic. Loss-of-function variants in LAMB3 are known to be pathogenic (PMID: 11023379, 16473856). This variant has not been reported in the literature in individuals with LAMB3-related conditions. This variant is not present in population databases (ExAC no frequency). This sequence change creates a premature translational stop signal (p.Cys478Leufs*2) in the LAMB3 gene. It is expected to result in an absent or disrupted protein product.

Literature cited by the submitters: PubMed 11023379; PubMed 16473856.

NM_000228.3(LAMB3):c.1427dup (p.Cys478fs)

Gene: LAMB3 (laminin subunit beta 3; minus strand). Cytogenetic location: 1q32.2.
Variant type: Duplication.
Coding change: c.1427dup on transcript NM_000228.3 (MANE Select); coding-DNA position 1427, one base duplicated (A; older notation c.1427dupA).
Protein change: p.Cys478fs; shifts the reading frame from cysteine 478.
Molecular consequence: frameshift variant.
Genome position (GRCh38, 1-based): chr1:209,627,441, T duplicated on the plus strand (A on the coding strand, the reverse complement: LAMB3 is on the minus strand). VCF-style (leftmost placement, unchanged base first): chr1-209627440-C-CT. GRCh37 (hg19) VCF-style: chr1-209800785-C-CT.
Other names: c.1427dup, p.Cys478fs (NM_001017402.2, NM_001127641.1); short protein forms C478fs.
Identifiers: ClinVar variation 1069780 (VCV001069780.7), dbSNP rs2102424137, ClinGen allele CA2499214425.